The following is an entry in ClinVar:

ClinVar aggregate classification (germline): Uncertain significance (1 of 4 stars; one submission).

Conditions:
3-methylglutaconic aciduria, type VIIB (MGCA7B). Also called: CLPB Deficiency; 3-methylglutaconic aciduria, type VII, with cataracts, neurologic involvement and neutropenia; 3-methylglutaconic aciduria with cataracts, neurologic involvement and neutropenia. Identifiers: Orphanet 445038, MedGen C5676893, MONDO:0014561, OMIM 616271.

Allele frequency attached by ClinVar (database versions not stated): gnomAD exomes below 0.00001.
gnomAD v4.1: 1 of 1,612,092 alleles (0.000062%); highest among the groups gnomAD compares: African/African-American, 0.0013%; no homozygotes.

Submission:

Labcorp Genetics (formerly Invitae), Labcorp
Classification: Uncertain significance for 3-methylglutaconic aciduria, type VIIB. Last evaluated: 2024-02-24. Review status: criteria provided, single submitter. Criteria: Invitae Variant Classification Sherloc (09022015). Collection method: clinical testing. Allele origin: germline.
Comment: This sequence change replaces leucine, which is neutral and non-polar, with valine, which is neutral and non-polar, at codon 48 of the CLPB protein (p.Leu48Val). This variant is not present in population databases (gnomAD no frequency). This variant has not been reported in the literature in individuals affected with CLPB-related conditions. ClinVar contains an entry for this variant (Variation ID: 952179). An algorithm developed to predict the effect of missense changes on protein structure and function (PolyPhen-2) suggests that this variant is likely to be tolerated. In summary, the available evidence is currently insufficient to determine the role of this variant in disease. Therefore, it has been classified as a Variant of Uncertain Significance.

NM_001258392.3(CLPB):c.142C>G (p.Leu48Val)

Genes: CLPB (ClpB family mitochondrial disaggregase; minus strand), LOC130006336 (ATAC-STARR-seq lymphoblastoid active region 5191; plus strand). Cytogenetic location: 11q13.4.
Variant type: single nucleotide variant.
Coding change: c.142C>G on transcript NM_001258392.3 (MANE Select); coding-DNA position 142, C replaced by G.
Protein change: p.Leu48Val; replaces leucine 48 with valine.
Molecular consequence: missense variant. On other transcripts: 5 prime UTR variant (1).
Genome position (GRCh38, 1-based): chr11:72,434,333, G>C on the plus strand (C>G on the coding strand, the complement: CLPB is on the minus strand). VCF-style: chr11-72434333-G-C. GRCh37 (hg19) VCF-style: chr11-72145377-G-C.
Other names: c.142C>G, p.Leu48Val (NM_001258393.3, NM_030813.6); c.-101C>G (NM_001258394.3); short protein forms L48V.
Identifiers: ClinVar variation 952179 (VCV000952179.10), dbSNP rs1856650498, ClinGen allele CA381963685.
Genomic context (GRCh38, chr11:72,434,333, plus strand): 5'-CCCCACGTCCGGAGAACAAGGCCGGCGATGTTCCAGGGCGCCCCCCGGTGGCTACCCTCA[G>C]CCACTGCGGCTCCCCGAGACTCCCAGTAGTCACATTCCGGCCGGAAGCACCTCCATGGCC-3'
Protein context (NP_001245321.1, residues 38-58): TTGSLGEPQW[Leu48Val]RVATGGRPGT